The following is an entry in ClinVar:

Conditions:
Breast-ovarian cancer, familial, susceptibility to, 1 (BROVCA1). Also called: BRCA1 Hereditary Breast and Ovarian Cancer; OVARIAN CANCER, SUSCEPTIBILITY TO. Identifiers: Orphanet 145, MedGen C2676676, MONDO:0011450, OMIM 604370. Disease mechanism: loss of function.

Submission:

Brotman Baty Institute, University of Washington
No classification provided (evidence only). Condition: Breast-ovarian cancer, familial 1. Review status: no classification provided. Collection method: in vitro. Allele origin: not applicable. Functional consequence: functionally_normal.
ClinVar note: "not provided" was previously submitted as the classification for the variant. However, the classification appeared to be based only on an observation of functional data so it was converted to no classification on 2025-07-30.

NM_007294.4(BRCA1):c.134+12T>A

Gene: BRCA1 (BRCA1 DNA repair associated; minus strand). Cytogenetic location: 17q21.31.
Variant type: single nucleotide variant.
Coding change: c.134+12T>A on transcript NM_007294.4 (MANE Select); 12 bases into the intron after coding-DNA position 134, T replaced by A.
Molecular consequence: intron variant.
Genome position (GRCh38, 1-based): chr17:43,115,714, A>T on the plus strand (T>A on the coding strand, the complement: BRCA1 is on the minus strand). VCF-style: chr17-43115714-A-T. GRCh37 (hg19) VCF-style: chr17-41267731-A-T.
Other names: c.-8+12T>A (NM_001408458.1, NM_001408470.1, NM_001407848.1 and 47 more transcripts); c.-219+9563T>A (NM_001407967.1); c.-170+9563T>A (NM_001407959.1); c.-7-9181T>A (NM_001407931.1, NM_001407747.1, NM_001408511.1 and 2 more transcripts); c.-170+12T>A (NM_001407962.1, NM_001408512.1, NM_001408510.1 and 1 more transcripts); c.-55+12T>A (NM_001407885.1, NM_001407886.1, NM_001408509.1 and 52 more transcripts); c.-124+12T>A (NM_001407746.1, NM_001408468.1, NM_001407842.1 and 13 more transcripts); c.-8+8303T>A (NM_001408461.1, NM_001407738.1, NM_001407932.1 and 23 more transcripts); and 10 more.
Identifiers: ClinVar variation 867523 (VCV000867523.3), dbSNP rs2055239927, ClinGen allele CA916080973.